The following is an entry in ClinVar:

NC_000019.9:g.(?_47258698)_(47260205_?)del

Gene: FKRP (fukutin related protein; plus strand). Cytogenetic location: 19q13.32.
Variant type: Deletion.
Identifiers: ClinVar variation 1071721 (VCV001071721.2).

ClinVar aggregate classification (germline): Pathogenic (1 of 4 stars; one submission).

Conditions:
Walker-Warburg congenital muscular dystrophy. Also called: Muscular dystrophy-dystroglycanopathy, type A; Walker-Warburg syndrome. Identifiers: Orphanet 899, MedGen C0265221, MONDO:0000171.

Submission:

Labcorp Genetics (formerly Invitae), Labcorp
Classification: Pathogenic for Walker-Warburg congenital muscular dystrophy. Last evaluated: 2020-07-16. Review status: criteria provided, single submitter. Criteria: Invitae Variant Classification Sherloc (09022015). Collection method: clinical testing. Allele origin: germline.
Comment: A gross deletion of the genomic region encompassing the full coding sequence of the FKRP gene has been identified. The boundaries of this event are unknown as the deletion extends beyond the assayed region for this gene and therefore may encompass additional genes. This variant has not been reported in the literature in individuals with FKRP-related disease. Loss-of-function variants in FKRP are known to be pathogenic (PMID: 11592034, 12707425, 23591631). For these reasons, this variant has been classified as Pathogenic.

Literature cited by the submitters: PubMed 11592034; PubMed 12707425; PubMed 23591631.